The following is an entry in ClinVar:

ClinVar aggregate classification (germline): Pathogenic. Review status: reviewed by expert panel (3 of 4 stars). 3 submissions from 3 submitters: Pathogenic (1). 2 of the submissions do not count toward it. Last evaluated 2025-08-15.

Conditions:
Phenylketonuria (PKU). Also called: Phenylketonuria (PKU); FOLLING DISEASE; OLIGOPHRENIA PHENYLPYRUVICA; Phenylketonurias. Identifiers: Orphanet 716, MedGen C0031485, MONDO:0009861, OMIM 261600. Disease mechanism: loss of function.

Submissions (3):

ClinGen PAH Variant Curation Expert Panel
Classification: Pathogenic for Phenylketonuria. Last evaluated: 2025-08-15. Review status: reviewed by expert panel. Criteria: ClinGen PAH ACMG Specifications v1. Collection method: curation. Allele origin: germline. Inheritance: Autosomal recessive inheritance.
Comment: The NM_000277.3(PAH):c.716G>A variant is PAH is a missense variant predicted to cause substitution of glycine by aspartic acid at amino acid 239 (p.Gly239Asp). At least one patient with this variant displayed plasma phenylalanine concentration persistently above 120umol/L (2mg/dL) and showed defect in the synthesis or recycling of tetrahydrobiopterin was excluded by analysis of urinary pterins and dihydropteridine reductase activity in erythrocytes (PP4_moderate; PMID 26503515;PMID: 16256386; PMID 12905706; PMID:23932990). This variant has been detected in at least 4 individuals. Of those individuals, 3 were compound heterozygous for the variant and distinct pathogenic (2)/likely pathogenic (1) variant (V399V, R241C, p.R241Pfs*100) and 3 of those were confirmed in trans by parental analysis and sanger sequencing (PM3_strong, PMID: 16256386; PMID: 30050108). This variant is absent from gnomAD v4.1.0 (PM2_Supporting). The computational predictor REVEL gives a score of 0.982, which meets the threshold of 0.932, evidence that correlates with strong impact to PAH function (PP3_Strong). In summary, this variant meets criteria to be classified as pathogenic for PAH. PAH-specific ACMG/AMP criteria applied: PM2_supporting, PM3_strong, PP4_Moderate, PP3_strong. Version 2.0, 7/16/2024.

Labcorp Genetics (formerly Invitae), Labcorp
Classification: Pathogenic for Phenylketonuria. Last evaluated: 2021-03-22. Review status: criteria provided, single submitter. Criteria: Invitae Variant Classification Sherloc (09022015). Collection method: clinical testing. Allele origin: germline. Not counted in ClinVar's aggregate classification.
Comment: This sequence change replaces glycine with aspartic acid at codon 239 of the PAH protein (p.Gly239Asp). The glycine residue is highly conserved and there is a moderate physicochemical difference between glycine and aspartic acid. For these reasons, this variant has been classified as Pathogenic. This variant disrupts the p.Gly239 amino acid residue in PAH. Other variant(s) that disrupt this residue have been determined to be pathogenic (PMID: 10394930, 31208052, 7833954, 9391881). This suggests that this residue is clinically significant, and that variants that disrupt this residue are likely to be disease-causing. Advanced modeling of protein sequence and biophysical properties (such as structural, functional, and spatial information, amino acid conservation, physicochemical variation, residue mobility, and thermodynamic stability) performed at Invitae indicates that this missense variant is expected to disrupt PAH protein function. This variant has been observed in individual(s) with hyperphenylalaninemia (PMID: 16256386, 30050108). ClinVar contains an entry for this variant (Variation ID: 102798). This variant is not present in population databases (ExAC no frequency).

DeBelle Laboratory for Biochemical Genetics, MUHC/MCH RESEARCH INSTITUTE
No classification provided. Review status: no classification provided. Collection method: not provided. Allele origin: not provided. Not counted in ClinVar's aggregate classification.

Literature cited by the submitters: PubMed 12905706 (cited by ClinGen PAH Variant Curation Expert Panel); PubMed 26503515 (cited by ClinGen PAH Variant Curation Expert Panel); PubMed 10394930 (cited by Labcorp Genetics (formerly Invitae), Labcorp); PubMed 31208052 (cited by Labcorp Genetics (formerly Invitae), Labcorp); PubMed 7833954 (cited by Labcorp Genetics (formerly Invitae), Labcorp); PubMed 9391881 (cited by Labcorp Genetics (formerly Invitae), Labcorp); PubMed 16256386 (cited by Labcorp Genetics (formerly Invitae), Labcorp); PubMed 30050108 (cited by Labcorp Genetics (formerly Invitae), Labcorp).

NM_000277.3(PAH):c.716G>A (p.Gly239Asp)

Gene: PAH (phenylalanine hydroxylase; minus strand). Cytogenetic location: 12q23.2.
Variant type: single nucleotide variant.
Coding change: c.716G>A on transcript NM_000277.3 (MANE Select); coding-DNA position 716, G replaced by A.
Protein change: p.Gly239Asp; replaces glycine 239 with aspartic acid.
Molecular consequence: missense variant.
Genome position (GRCh38, 1-based): chr12:102,852,941, C>T on the plus strand (G>A on the coding strand, the complement: PAH is on the minus strand). VCF-style: chr12-102852941-C-T. GRCh37 (hg19) VCF-style: chr12-103246719-C-T.
Other names: NM_000277.1(PAH):c.716G>A; p.Gly239Asp; c.716G>A, p.Gly239Asp (NM_001354304.2); short protein forms G239D.
Identifiers: ClinVar variation 102798 (VCV000102798.7), dbSNP rs62507283, ClinGen allele CA229707.
Genomic context (GRCh38, chr12:102,852,941, plus strand): 5'-GCCAGGCCACCCAAGAAATCCCGAGAGGAAAGCAGGCCAGCCACAGGTCGGAGGCGGAAA[C>T]CAGTGCAAGCTGGGATGAAAAGAAGAAAGAAAACTCAAAGCTCATCACCACTGAGTCAGA-3'
Protein context (NP_000268.1, residues 229-249): DVSQFLQTCT[Gly239Asp]FRLRPVAGLL